The following is an entry in ClinVar:

ClinVar aggregate classification (germline): Uncertain significance (1 of 4 stars; one submission).

Conditions:
Imerslund-Grasbeck syndrome. Also called: PERNICIOUS ANEMIA, JUVENILE, DUE TO SELECTIVE INTESTINAL MALABSORPTION OF VITAMIN B12, WITH PROTEINURIA; Imerslund-Gräsbeck syndrome; ENTEROCYTE COBALAMIN MALABSORPTION; ENTEROCYTE INTRINSIC FACTOR RECEPTOR, DEFECT OF; Megaloblastic anemia due to inborn errors of metabolism. Identifiers: Orphanet 35858, MedGen C4551825, MONDO:0009853.

Submission:

Labcorp Genetics (formerly Invitae), Labcorp
Classification: Uncertain significance for Imerslund-Grasbeck syndrome. Last evaluated: 2024-11-04. Review status: criteria provided, single submitter. Criteria: Invitae Variant Classification Sherloc (09022015). Collection method: clinical testing. Allele origin: germline.
Comment: This sequence change replaces alanine, which is neutral and non-polar, with serine, which is neutral and polar, at codon 3208 of the CUBN protein (p.Ala3208Ser). This variant is not present in population databases (gnomAD no frequency). This variant has not been reported in the literature in individuals affected with CUBN-related conditions. Invitae Evidence Modeling of protein sequence and biophysical properties (such as structural, functional, and spatial information, amino acid conservation, physicochemical variation, residue mobility, and thermodynamic stability) indicates that this missense variant is not expected to disrupt CUBN protein function with a negative predictive value of 80%. In summary, the available evidence is currently insufficient to determine the role of this variant in disease. Therefore, it has been classified as a Variant of Uncertain Significance.

NM_001081.4(CUBN):c.9622G>T (p.Ala3208Ser)

Gene: CUBN (cubilin; minus strand). Cytogenetic location: 10p13.
Variant type: single nucleotide variant.
Coding change: c.9622G>T on transcript NM_001081.4 (MANE Select); coding-DNA position 9622, G replaced by T.
Protein change: p.Ala3208Ser; replaces alanine 3208 with serine.
Molecular consequence: missense variant.
Genome position (GRCh38, 1-based): chr10:16,851,276, C>A on the plus strand (G>T on the coding strand, the complement: CUBN is on the minus strand). VCF-style: chr10-16851276-C-A. GRCh37 (hg19) VCF-style: chr10-16893275-C-A.
Other names: short protein forms A3208S.
Identifiers: ClinVar variation 3664077 (VCV003664077.2).
Genomic context (GRCh38, chr10:16,851,276, plus strand): 5'-AAAAATAAAACAGCCTTACCTTTACATAATCATAAAGGCATCTTTGCCTAGTACTTGCTG[C>A]CTCCAGAGCAAATGTATTGAAGGTGAGGTGAATTACTTTGTTTACAGGTGCAATTATGAT-3'
Protein context (NP_001072.2, residues 3198-3218): HLTFNTFALE[Ala3208Ser]ASTRQRCLYD